The following is an entry in ClinVar:

NM_001003787.4(STRADA):c.736C>T (p.Pro246Ser)

Gene: STRADA (STE20 related adaptor alpha; minus strand). Cytogenetic location: 17q23.3.
Variant type: single nucleotide variant.
Coding change: c.736C>T on transcript NM_001003787.4 (MANE Select); coding-DNA position 736, C replaced by T.
Protein change: p.Pro246Ser; replaces proline 246 with serine.
Molecular consequence: missense variant.
Genome position (GRCh38, 1-based): chr17:63,707,264, G>A on the plus strand (C>T on the coding strand, the complement: STRADA is on the minus strand). VCF-style: chr17-63707264-G-A. GRCh37 (hg19) VCF-style: chr17-61784624-G-A.
Other names: c.625C>T, p.Pro209Ser (NM_001003786.3, NM_001363789.1, NM_153335.6); c.562C>T, p.Pro188Ser (NM_001003788.3, NM_001363790.1, NM_001363791.1); c.649C>T, p.Pro217Ser (NM_001165969.2, NM_001363787.1); c.604C>T, p.Pro202Ser (NM_001165970.2); c.712C>T, p.Pro238Ser (NM_001363786.1); c.736C>T, p.Pro246Ser (NM_001363788.1); short protein forms P246S, P209S, P217S, P202S, P238S, P188S.
Identifiers: ClinVar variation 468887 (VCV000468887.5), dbSNP rs201773578, ClinGen allele CA8703305.

ClinVar aggregate classification (germline): Uncertain significance (1 of 4 stars; one submission).

Conditions:
Polyhydramnios, megalencephaly, and symptomatic epilepsy (PMSE). Also called: PMSE SYNDROME. Identifiers: Orphanet 500533, MedGen C1970203, MONDO:0012611, OMIM 611087.

Allele frequency attached by ClinVar (database versions not stated): gnomAD exomes 0.00001 and 0.00003; ExAC 0.00002; TOPMed 0.00005; gnomAD 0.00007; ESP Exome Variant Server 0.00008; 1000 Genomes Project 30x 0.00016; 1000 Genomes Project 0.00020.
gnomAD v4.1: 23 of 1,614,162 alleles (0.0014%); highest among the groups gnomAD compares: African/African-American, 0.024%; no homozygotes.

Submission:

Labcorp Genetics (formerly Invitae), Labcorp
Classification: Uncertain significance for Polyhydramnios, megalencephaly, and symptomatic epilepsy. Last evaluated: 2021-09-28. Review status: criteria provided, single submitter. Criteria: Invitae Variant Classification Sherloc (09022015). Collection method: clinical testing. Allele origin: germline.
Comment: This sequence change replaces proline with serine at codon 246 of the STRADA protein (p.Pro246Ser). The proline residue is highly conserved and there is a moderate physicochemical difference between proline and serine. This variant is present in population databases (rs201773578, ExAC 0.02%). This variant has not been reported in the literature in individuals affected with STRADA-related conditions. Algorithms developed to predict the effect of missense changes on protein structure and function are either unavailable or do not agree on the potential impact of this missense change (SIFT: "Deleterious"; PolyPhen-2: "Possibly Damaging"; Align-GVGD: "Class C0"). In summary, the available evidence is currently insufficient to determine the role of this variant in disease. Therefore, it has been classified as a Variant of Uncertain Significance.